The following is an entry in ClinVar:

NM_021942.6(TRAPPC11):c.2220A>G (p.Ile740Met)

Gene: TRAPPC11 (trafficking protein particle complex subunit 11; plus strand). Cytogenetic location: 4q35.1.
Variant type: single nucleotide variant.
Coding change: c.2220A>G on transcript NM_021942.6 (MANE Select); coding-DNA position 2220, A replaced by G.
Protein change: p.Ile740Met; replaces isoleucine 740 with methionine.
Molecular consequence: missense variant.
Genome position (GRCh38, 1-based): chr4:183,693,130, A>G. VCF-style: chr4-183693130-A-G. GRCh37 (hg19) VCF-style: chr4-184614283-A-G.
Other names: c.2220A>G, p.Ile740Met (NM_199053.3); short protein forms I740M.
Identifiers: ClinVar variation 1055207 (VCV001055207.6), dbSNP rs2111065473, ClinGen allele CA358871080.

ClinVar aggregate classification (germline): Uncertain significance (1 of 4 stars; one submission).

Conditions:
Autosomal recessive limb-girdle muscular dystrophy type R18 (LGMDR18). Also called: MUSCULAR DYSTROPHY, LIMB-GIRDLE, AUTOSOMAL RECESSIVE 18; Limb-girdle muscular dystrophy, type 2S; Autosomal recessive limb-girdle muscular dystrophy type 2S. Identifiers: Orphanet 369840, MedGen C4517996, MONDO:0014144, OMIM 615356.

Allele frequency attached by ClinVar (database versions not stated): gnomAD exomes below 0.00001.
gnomAD v4.1: 1 of 1,605,052 alleles (0.000062%); highest among the groups gnomAD compares: Non-Finnish European, 0.000085%; no homozygotes.

Submission:

Labcorp Genetics (formerly Invitae), Labcorp
Classification: Uncertain significance for Autosomal recessive limb-girdle muscular dystrophy type R18. Last evaluated: 2021-08-26. Review status: criteria provided, single submitter. Criteria: Invitae Variant Classification Sherloc (09022015). Collection method: clinical testing. Allele origin: germline.
Comment: This sequence change replaces isoleucine with methionine at codon 740 of the TRAPPC11 protein (p.Ile740Met). The isoleucine residue is moderately conserved and there is a small physicochemical difference between isoleucine and methionine. This variant is not present in population databases (ExAC no frequency). This variant has not been reported in the literature in individuals affected with TRAPPC11-related conditions. Algorithms developed to predict the effect of missense changes on protein structure and function (SIFT, PolyPhen-2, Align-GVGD) all suggest that this variant is likely to be tolerated. In summary, the available evidence is currently insufficient to determine the role of this variant in disease. Therefore, it has been classified as a Variant of Uncertain Significance.